The following is an entry in ClinVar:

NM_024494.3(WNT2B):c.1142C>T (p.Ala381Val)

Genes: ST7L (suppression of tumorigenicity 7 like; minus strand), WNT2B (Wnt family member 2B; plus strand). Cytogenetic location: 1p13.2.
Variant type: single nucleotide variant.
Coding change: c.1142C>T on transcript NM_024494.3 (MANE Select); coding-DNA position 1142, C replaced by T.
Protein change: p.Ala381Val; replaces alanine 381 with valine.
Molecular consequence: missense variant.
Genome position (GRCh38, 1-based): chr1:112,520,475, C>T. VCF-style: chr1-112520475-C-T. GRCh37 (hg19) VCF-style: chr1-113063097-C-T.
Other names: c.1142C>T (NM_024494.2); c.866C>T, p.Ala289Val (NM_001291880.1); c.1085C>T, p.Ala362Val (NM_004185.4); short protein forms A362V, A381V, A289V.
Identifiers: ClinVar variation 2065166 (VCV002065166.2), dbSNP rs761344062, ClinGen allele CA341656308.

ClinVar aggregate classification (germline): Uncertain significance. Review status: criteria provided, multiple submitters, no conflicts (2 of 4 stars). 2 submissions from 2 submitters: Uncertain significance (2). Last evaluated 2025-09-10.

Allele frequency attached by ClinVar (database versions not stated): TOPMed below 0.00001; gnomAD 0.00001.
gnomAD v4.1: 4 of 1,614,054 alleles (0.00025%); highest among the groups gnomAD compares: Non-Finnish European, 0.00034%; no homozygotes.

Submissions (2):

Ambry Genetics
Classification: Uncertain significance. Last evaluated: 2025-09-10. Review status: criteria provided, single submitter. Criteria: Ambry Variant Classification Scheme 2023. Collection method: clinical testing. Allele origin: germline.

Labcorp Genetics (formerly Invitae), Labcorp
Classification: Uncertain significance. Last evaluated: 2022-05-30. Review status: criteria provided, single submitter. Criteria: Invitae Variant Classification Sherloc (09022015). Collection method: clinical testing. Allele origin: germline.
Comment: This sequence change replaces alanine, which is neutral and non-polar, with valine, which is neutral and non-polar, at codon 381 of the WNT2B protein (p.Ala381Val). This variant is not present in population databases (gnomAD no frequency). This variant has not been reported in the literature in individuals affected with WNT2B-related conditions. Algorithms developed to predict the effect of missense changes on protein structure and function (SIFT, PolyPhen-2, Align-GVGD) all suggest that this variant is likely to be tolerated. In summary, the available evidence is currently insufficient to determine the role of this variant in disease. Therefore, it has been classified as a Variant of Uncertain Significance.